The following is an entry in ClinVar:

NM_000053.4(ATP7B):c.3547_3548del (p.Ala1183fs)

Gene: ATP7B (ATPase copper transporting beta; minus strand). Cytogenetic location: 13q14.3.
Variant type: Deletion.
Coding change: c.3547_3548del on transcript NM_000053.4 (MANE Select); coding-DNA positions 3547 to 3548, 2 bases deleted (GC; older notation c.3547_3548delGC).
Protein change: p.Ala1183fs; shifts the reading frame from alanine 1183.
Molecular consequence: frameshift variant.
Genome position (GRCh38, 1-based): chr13:51,941,089-51,941,090, GC deleted on the plus strand (GC on the coding strand, the reverse complement: ATP7B is on the minus strand). VCF-style (leftmost placement, unchanged base first): chr13-51941088-AGC-A. GRCh37 (hg19) VCF-style: chr13-52515224-AGC-A.
Other names: p.Ala1183Tyrfs*2; c.2926_2927del, p.Ala976fs (NM_001005918.3); c.3214_3215del, p.Ala1072fs (NM_001243182.2); c.3313_3314del, p.Ala1105fs (NM_001330578.2); c.3295_3296del, p.Ala1099fs (NM_001330579.2); c.3547_3548delGC, p.Ala1183Tyrfs (NM_001406511.1, NM_001406512.1, NM_001406526.1); c.3541_3542delGC, p.Ala1181Tyrfs (NM_001406513.1); c.3514_3515delGC, p.Ala1172Tyrfs (NM_001406514.1); and 22 more; short protein forms A1099fs, A1183fs, A976fs, A1105fs, A1072fs.
Identifiers: ClinVar variation 2137513 (VCV002137513.8), dbSNP rs765139243, ClinGen allele CA250077096.
Genomic context (GRCh38, chr13:51,941,088, plus strand): 5'-TGCAGAAAACTGTATTTCTGAGAGAGCGGAAGGAAGGCAGAAGCAGAAGATACCGTCAAT[AGC>A]CACCAGGATGGCTGTCTGTCCTTTCATCTCGTGGTCTGTCATAGCGTCACTGACATCGCT-3'

ClinVar aggregate classification (germline): Pathogenic/Likely pathogenic. Review status: criteria provided, multiple submitters, no conflicts (2 of 4 stars). 5 submissions from 5 submitters: Pathogenic (3); Likely pathogenic (2). Last evaluated 2026-01-15.

Conditions:
Wilson disease (WND). Also called: Wilson's disease. Identifiers: Orphanet 905, MedGen C0019202, MONDO:0010200, OMIM 277900. Disease mechanism: loss of function.

Allele frequency attached by ClinVar (database versions not stated): gnomAD 0.00001; gnomAD exomes 0.00002.

Submissions (5):

Natera, Inc.
Classification: Likely pathogenic for Wilson disease. Last evaluated: 2026-01-15. Review status: criteria provided, single submitter. Criteria: Natera Variant Classification Schema (03/2026). Collection method: clinical testing. Allele origin: germline.
Comment: The c.3547_3548delGC variant in ATP7B is a frameshift variant predicted to shift the reading frame beginning at codon 1183 and leads to a stop codon 2 codons downstream. This variant is expected to result in nonsense mediated decay, truncation, or a dysfunctional protein product. This variant is rare in the general population with a frequency below the threshold expected for the associated phenotype(s). Given the available evidence, this variant is classified as Likely Pathogenic.

All of Us Research Program, National Institutes of Health
Classification: Pathogenic for Wilson disease. Last evaluated: 2024-05-30. Review status: criteria provided, single submitter. Criteria: ACMG Guidelines, 2015. Collection method: clinical testing. Allele origin: germline. Inheritance: Autosomal recessive inheritance. Observed: 2 variant alleles, 2 heterozygotes.
Comment: This variant deletes 2 nucleotides in exon 16 of the ATP7B gene, creating a frameshift and premature translation stop signal. This variant is expected to result in an absent or non-functional protein product. To our knowledge, this variant has not been reported in individuals affected with Wilson disease in the literature. This variant has been identified in 2/31400 chromosomes in the general population by the Genome Aggregation Database (gnomAD). Loss of ATP7B function is a known mechanism of disease. Based on the available evidence, this variant is classified as Pathogenic.

This study involves interpretation of variants in research participants for the purpose of population health screening. Participant phenotype was not available at the time of variant classification. Additional details can be found in publication PMID: 35346344, PMCID: PMC8962531

Labcorp Genetics (formerly Invitae), Labcorp
Classification: Pathogenic for Wilson disease. Last evaluated: 2023-09-03. Review status: criteria provided, single submitter. Criteria: Invitae Variant Classification Sherloc (09022015). Collection method: clinical testing. Allele origin: germline.
Comment: ClinVar contains an entry for this variant (Variation ID: 2137513). For these reasons, this variant has been classified as Pathogenic. This sequence change creates a premature translational stop signal (p.Ala1183Tyrfs*2) in the ATP7B gene. It is expected to result in an absent or disrupted protein product. Loss-of-function variants in ATP7B are known to be pathogenic (PMID: 10441329, 16283883). This variant is present in population databases (rs765139243, gnomAD 0.01%). This premature translational stop signal has been observed in individual(s) with Wilson’s disease (PMID: 23518715).

Mayo Clinic Laboratories, Mayo Clinic
Classification: Pathogenic. Last evaluated: 2023-03-16. Review status: criteria provided, single submitter. Criteria: ACMG Guidelines, 2015. Collection method: clinical testing. Allele origin: germline. Observed: 1 variant allele.
Comment: PM2_supporting, PM3_supporting, PS4_moderate, PVS1

Laboratory for Molecular Medicine, Mass General Brigham Personalized Medicine
Classification: Likely pathogenic for Wilson disease. Last evaluated: 2020-06-11. Review status: criteria provided, single submitter. Criteria: ACMG Guidelines, 2015. Collection method: clinical testing. Allele origin: germline.
Comment: The p.Ala1183TyrfsX2 variant in ATP7B has not been previously reported in individuals with Wilson disease but has been identified in 0.01% (1/8715) of African chromosomes by gnomAD. This variant is predicted to cause a frameshift, which alters the protein’s amino acid sequence beginning at position 1183 and leads to a premature termination codon 2 amino acids downstream. This alteration is then predicted to lead to a truncated or absent protein. Complete loss of ATP7B function is an established disease mechanism for Wilson disease. In summary, although additional studies are required to fully establish its clinical significance, this variant meets criteria to be classified as likely pathogenic for autosomal recessive Wilson disease. ACMG/AMP Criteria applied: PVS1, PM2.

Literature cited by the submitters: PubMed 10441329 (cited by Labcorp Genetics (formerly Invitae), Labcorp); PubMed 16283883 (cited by Labcorp Genetics (formerly Invitae), Labcorp); PubMed 23518715 (cited by 3 submitters).